The following is an entry in ClinVar:

NM_001330078.2(NRXN1):c.1753C>T (p.Arg585Trp)

Gene: NRXN1 (neurexin 1; minus strand). Cytogenetic location: 2p16.3.
Variant type: single nucleotide variant.
Coding change: c.1753C>T on transcript NM_001330078.2 (MANE Select); coding-DNA position 1753, C replaced by T.
Protein change: p.Arg585Trp; replaces arginine 585 with tryptophan.
Molecular consequence: missense variant.
Genome position (GRCh38, 1-based): chr2:50,552,593, G>A on the plus strand (C>T on the coding strand, the complement: NRXN1 is on the minus strand). VCF-style: chr2-50552593-G-A. GRCh37 (hg19) VCF-style: chr2-50779731-G-A.
Other names: c.1873C>T, p.Arg625Trp (NM_001135659.3); c.1729C>T, p.Arg577Trp (NM_001330077.2, NM_001330082.2, NM_001330095.2); c.1714C>T, p.Arg572Trp (NM_001330083.2, NM_001330084.2); c.1753C>T, p.Arg585Trp (NM_001330085.2, NM_001330086.2, NM_004801.6); c.1669C>T, p.Arg557Trp (NM_001330087.2, NM_001330096.2); c.1699C>T, p.Arg567Trp (NM_001330088.2); c.1750C>T, p.Arg584Trp (NM_001330093.2); c.1741C>T, p.Arg581Trp (NM_001330094.2); short protein forms R557W, R584W, R585W, R572W, R567W, R577W, R581W, R625W.
Identifiers: ClinVar variation 2098170 (VCV002098170.6), dbSNP rs576046184, ClinGen allele CA47332475.

ClinVar aggregate classification (germline): Uncertain significance. Review status: criteria provided, multiple submitters, no conflicts (2 of 4 stars). 2 submissions from 2 submitters: Uncertain significance (2). Last evaluated 2022-07-12.

Conditions:
Pitt-Hopkins-like syndrome 2 (PTHSL2). Identifiers: Orphanet 221150, Orphanet 600663, MedGen C3280479, MONDO:0013690, OMIM 614325.
Chromosome 2p16.3 deletion syndrome. Identifiers: MedGen C3808494, MONDO:0013696, OMIM 614332.

Allele frequency attached by ClinVar (database versions not stated): TOPMed below 0.00001; gnomAD 0.00001.
gnomAD v4.1: 5 of 1,608,474 alleles (0.00031%); highest among the groups gnomAD compares: Non-Finnish European, 0.00043%; no homozygotes.

Submissions (2):

Labcorp Genetics (formerly Invitae), Labcorp
Classification: Uncertain significance for Pitt-Hopkins-like syndrome 2. Last evaluated: 2022-07-12. Review status: criteria provided, single submitter. Criteria: Invitae Variant Classification Sherloc (09022015). Collection method: clinical testing. Allele origin: germline.
Comment: This sequence change replaces arginine, which is basic and polar, with tryptophan, which is neutral and slightly polar, at codon 625 of the NRXN1 protein (p.Arg625Trp). This variant is present in population databases (rs576046184, gnomAD 0.007%). This missense change has been observed in individual(s) with neurodevelopmental disorders (PMID: 33004838). Algorithms developed to predict the effect of missense changes on protein structure and function (SIFT, PolyPhen-2, Align-GVGD) all suggest that this variant is likely to be disruptive. In summary, the available evidence is currently insufficient to determine the role of this variant in disease. Therefore, it has been classified as a Variant of Uncertain Significance.

Juno Genomics, Hangzhou Juno Genomics, Inc
Classification: Uncertain significance for Chromosome 2p16.3 deletion syndrome; Pitt-Hopkins-like syndrome 2. Review status: criteria provided, single submitter. Criteria: ACMG Guidelines, 2015. Collection method: clinical testing. Allele origin: germline. Affected: yes.
Comment: Absent from controls (or at extremely low frequency if recessive) in Genome Aggregation Database, Exome Sequencing Project, 1000 Genomes Project, or Exome Aggregation Consortium.;Multiple lines of computational evidence support a deleterious effect on the gene or gene product (conservation, evolutionary, splicing impact, etc).

Literature cited by the submitters: PubMed 33004838 (cited by Labcorp Genetics (formerly Invitae), Labcorp).